The following is an entry in ClinVar:

ClinVar aggregate classification (germline): Benign/Likely benign. Review status: criteria provided, multiple submitters, no conflicts (2 of 4 stars). 15 submissions from 12 submitters: Benign (7); Likely benign (7). 1 of the submissions does not count toward it. Last evaluated 2026-09-01.

Conditions:
Congenital myopathy 18. Also called: Myopathy, congenital, due to dihydropyridine receptor defect; DIHYDROPYRIDINE RECEPTOR CONGENITAL MYOPATHY; DHPR CONGENITAL MYOPATHY. Identifiers: MedGen C5830283, MONDO:0859514, OMIM 620246.
CACNA1S-related disorder. Also called: CACNA1S-related condition.
Malignant hyperthermia, susceptibility to, 5 (MHS5). Also called: CACNA1S-Related Malignant Hyperthermia Susceptibility. Identifiers: Orphanet 423, MedGen C1866077, MONDO:0011163, OMIM 601887.
Hypokalemic periodic paralysis, type 1. Also called: Hypokalemic Periodic Paralysis Type 1 (AD); HypoPP. Identifiers: Orphanet 681, MedGen C3714580, MONDO:0042979, OMIM 170400.
Thyrotoxic periodic paralysis, susceptibility to, 1 (TTPP1). Identifiers: Orphanet 79102, MedGen C2749982, MONDO:0008570, OMIM 188580.

Allele frequency attached by ClinVar (database versions not stated): 1000 Genomes Project 30x 0.00437; 1000 Genomes Project 0.00479; TOPMed 0.00695; gnomAD exomes 0.00814 and 0.00979; gnomAD 0.00852 and 0.00873; ESP Exome Variant Server 0.00869; ExAC 0.00876.
gnomAD v4.1: 15,554 of 1,614,196 alleles (0.96%); highest among the groups gnomAD compares: Non-Finnish European, 1.1%; 98 homozygotes.

Submissions (15):

CeGaT Center for Human Genetics Tuebingen
Classification: Benign. Last evaluated: 2026-09-01. Review status: criteria provided, single submitter. Criteria: CeGaT Center For Human Genetics Tuebingen Variant Classification Criteria Version 2. Collection method: clinical testing. Allele origin: germline. Affected: yes. Observed: 75 variant alleles.
Comment: CACNA1S: BS1, BS2

Labcorp Genetics (formerly Invitae), Labcorp
Classification: Benign for Hypokalemic periodic paralysis, type 1; Malignant hyperthermia, susceptibility to, 5. Last evaluated: 2026-02-04. Review status: criteria provided, single submitter. Criteria: Invitae Variant Classification Sherloc (09022015). Collection method: clinical testing. Allele origin: germline.

ARUP Laboratories, Molecular Genetics and Genomics, ARUP Laboratories
Classification: Benign. Last evaluated: 2025-01-06. Review status: criteria provided, single submitter. Criteria: ARUP Molecular Germline Variant Investigation Process 2024. Collection method: clinical testing. Allele origin: germline.

All of Us Research Program, National Institutes of Health
Classification: Likely benign for Malignant hyperthermia, susceptibility to, 5. Last evaluated: 2024-02-05. Review status: criteria provided, single submitter. Criteria: ACMG Guidelines, 2015. Collection method: clinical testing. Allele origin: germline. Inheritance: Autosomal dominant inheritance. Observed: 2,143 variant alleles, 2,130 heterozygotes, 13 homozygotes.
Comment: This study involves interpretation of variants in research participants for the purpose of population health screening. Participant phenotype was not available at the time of variant classification. Additional details can be found in publication PMID: 35346344, PMCID: PMC8962531

Genome-Nilou Lab
Classification: Likely benign for Malignant hyperthermia, susceptibility to, 5. Last evaluated: 2023-04-11. Review status: criteria provided, single submitter. Criteria: ACMG Guidelines, 2015. Collection method: clinical testing. Allele origin: germline. Affected: no.

Genome-Nilou Lab
Classification: Likely benign for Thyrotoxic periodic paralysis, susceptibility to, 1. Last evaluated: 2023-04-11. Review status: criteria provided, single submitter. Criteria: ACMG Guidelines, 2015. Collection method: clinical testing. Allele origin: germline. Affected: no.

Genome-Nilou Lab
Classification: Likely benign for Congenital myopathy 18. Last evaluated: 2023-04-11. Review status: criteria provided, single submitter. Criteria: ACMG Guidelines, 2015. Collection method: clinical testing. Allele origin: germline. Affected: no.

Genome-Nilou Lab
Classification: Likely benign for Hypokalemic periodic paralysis, type 1. Last evaluated: 2023-04-11. Review status: criteria provided, single submitter. Criteria: ACMG Guidelines, 2015. Collection method: clinical testing. Allele origin: germline. Affected: no.

Mayo Clinic Laboratories, Mayo Clinic
Classification: Benign. Last evaluated: 2019-07-19. Review status: criteria provided, single submitter. Criteria: ACMG Guidelines, 2015. Collection method: clinical testing. Allele origin: germline. Observed: 9 variant alleles.

Athena Diagnostics
Classification: Benign. Last evaluated: 2018-05-30. Review status: criteria provided, single submitter. Criteria: Athena Diagnostics Criteria. Collection method: clinical testing. Allele origin: germline.

Color Diagnostics, LLC DBA Color Health
Classification: Likely benign for Malignant hyperthermia, susceptibility to, 5. Last evaluated: 2018-03-05. Review status: criteria provided, single submitter. Criteria: ACMG Guidelines, 2015. Collection method: clinical testing. Allele origin: germline.

Illumina Laboratory Services, Illumina
Classification: Benign for Hypokalemic periodic paralysis, type 1. Last evaluated: 2018-01-13. Review status: criteria provided, single submitter. Criteria: ICSL Variant Classification Criteria 13 December 2019. Collection method: clinical testing. Allele origin: germline.
Comment: This variant was observed in the ICSL laboratory as part of a predisposition screen in an ostensibly healthy population. It had not been previously curated by ICSL or reported in the Human Gene Mutation Database (HGMD: prior to June 1st, 2018), and was therefore a candidate for classification through an automated scoring system. Utilizing variant allele frequency, disease prevalence and penetrance estimates, and inheritance mode, an automated score was calculated to assess if this variant is too frequent to cause the disease. Based on the score and internal cut-off values, a variant classified as benign is not then subjected to further curation. The score for this variant resulted in a classification of benign for this disease.

GeneDx
Classification: Benign. Last evaluated: 2016-05-18. Review status: criteria provided, single submitter. Criteria: GeneDx Variant Classification (06012015). Collection method: clinical testing. Allele origin: germline. Affected: yes.
Comment: This variant is considered likely benign or benign based on one or more of the following criteria: it is a conservative change, it occurs at a poorly conserved position in the protein, it is predicted to be benign by multiple in silico algorithms, and/or has population frequency not consistent with disease.

Breakthrough Genomics
Classification: Likely benign. Review status: criteria provided, single submitter. Criteria: ACMG Guidelines, 2015. Collection method: not provided. Allele origin: germline. Inheritance: Autosomal dominant inheritance. Affected: yes.

PreventionGenetics, part of Exact Sciences
Classification: Benign for CACNA1S-related condition. Last evaluated: 2020-03-30. Review status: no assertion criteria provided. Collection method: clinical testing. Allele origin: germline. Not counted in ClinVar's aggregate classification.
Comment: This variant is classified as benign based on ACMG/AMP sequence variant interpretation guidelines (Richards et al. 2015 PMID: 25741868, with internal and published modifications).

Literature cited by the submitters: PubMed 25658027 (cited by Athena Diagnostics); PubMed 19825159 (cited by Athena Diagnostics).

NM_000069.3(CACNA1S):c.1817G>A (p.Ser606Asn)

Gene: CACNA1S (calcium voltage-gated channel subunit alpha1 S; minus strand). Cytogenetic location: 1q32.1.
Variant type: single nucleotide variant.
Coding change: c.1817G>A on transcript NM_000069.3 (MANE Select); coding-DNA position 1817, G replaced by A.
Protein change: p.Ser606Asn; replaces serine 606 with asparagine.
Molecular consequence: missense variant.
Genome position (GRCh38, 1-based): chr1:201,076,930, C>T on the plus strand (G>A on the coding strand, the complement: CACNA1S is on the minus strand). VCF-style: chr1-201076930-C-T. GRCh37 (hg19) VCF-style: chr1-201046058-C-T.
Other names: p.Ser606Asn; short protein forms S606N.
Identifiers: ClinVar variation 254803 (VCV000254803.60), dbSNP rs142356235, ClinGen allele CA078580.